The following is an entry in ClinVar:

ClinVar aggregate classification (germline): Likely benign (1 of 4 stars; one submission).

gnomAD v4.1: 14 of 1,612,842 alleles (0.00087%); highest among the groups gnomAD compares: Middle Eastern, 0.066%; no homozygotes.

Submission:

CeGaT Center for Human Genetics Tuebingen
Classification: Likely benign. Last evaluated: 2022-06-01. Review status: criteria provided, single submitter. Criteria: CeGaT Center For Human Genetics Tuebingen Variant Classification Criteria Version 2. Collection method: clinical testing. Allele origin: germline. Affected: yes. Observed: 1 variant allele.
Comment: AHDC1: BP4

NM_001371928.1(AHDC1):c.2395C>A (p.Arg799=)

Gene: AHDC1 (AT-hook DNA binding motif containing 1; minus strand). Cytogenetic location: 1p36.11.
Variant type: single nucleotide variant.
Coding change: c.2395C>A on transcript NM_001371928.1 (MANE Select); coding-DNA position 2395, C replaced by A.
Protein change: p.Arg799=; no amino-acid change (arginine 799 retained).
Molecular consequence: synonymous variant.
Genome position (GRCh38, 1-based): chr1:27,549,721, G>T on the plus strand (C>A on the coding strand, the complement: AHDC1 is on the minus strand). VCF-style: chr1-27549721-G-T. GRCh37 (hg19) VCF-style: chr1-27876232-G-T.
Other names: c.2395C>A, p.Arg799= (NM_001029882.3).
Identifiers: ClinVar variation 1694502 (VCV001694502.31), dbSNP rs746453956, ClinGen allele CA715772.